The following is an entry in ClinVar:

NM_032383.5(HPS3):c.1451_1455del (p.Ala484fs)

Gene: HPS3 (HPS3 biogenesis of lysosomal organelles complex 2 subunit 1; plus strand). Cytogenetic location: 3q24.
Variant type: Deletion.
Coding change: c.1451_1455del on transcript NM_032383.5 (MANE Select); coding-DNA positions 1451 to 1455, 5 bases deleted (CTGGG; older notation c.1451_1455delCTGGG).
Protein change: p.Ala484fs; shifts the reading frame from alanine 484.
Molecular consequence: frameshift variant.
Genome position (GRCh38, 1-based): chr3:149,155,157-149,155,161, CTGGG deleted; deleting any 5 consecutive bases within chr3:149,155,155-149,155,161 gives the same sequence; the c. name uses the placement nearest the transcript's 3' end. VCF-style (leftmost placement, unchanged base first): chr3-149155154-AGGCTG-A. GRCh37 (hg19) VCF-style: chr3-148872941-AGGCTG-A.
Other names: c.956_960del, p.Ala319fs (NM_001308258.2); short protein forms A319fs, A484fs.
Identifiers: ClinVar variation 2108143 (VCV002108143.4), dbSNP rs2473102754, ClinGen allele CA2580068911.

ClinVar aggregate classification (germline): Pathogenic (1 of 4 stars; one submission).

Submission:

Labcorp Genetics (formerly Invitae), Labcorp
Classification: Pathogenic. Last evaluated: 2022-03-18. Review status: criteria provided, single submitter. Criteria: Invitae Variant Classification Sherloc (09022015). Collection method: clinical testing. Allele origin: germline.
Comment: This sequence change creates a premature translational stop signal (p.Ala484Valfs*22) in the HPS3 gene. It is expected to result in an absent or disrupted protein product. Loss-of-function variants in HPS3 are known to be pathogenic (PMID: 11590544). This variant is not present in population databases (gnomAD no frequency). This variant has not been reported in the literature in individuals affected with HPS3-related conditions. For these reasons, this variant has been classified as Pathogenic.

Literature cited by the submitters: PubMed 11590544.